The following is an entry in ClinVar:

ClinVar aggregate classification (germline): Uncertain significance (1 of 4 stars; one submission).

Conditions:
Cystic fibrosis (CF). Also called: MUCOVISCIDOSIS. Identifiers: Orphanet 586, MedGen C0010674, MONDO:0009061, OMIM 219700. Disease mechanism: loss of function.

Allele frequency attached by ClinVar (database versions not stated): TOPMed below 0.00001; gnomAD 0.00001; gnomAD exomes below 0.00001.
gnomAD v4.1: 2 of 1,613,334 alleles (0.00012%); highest among the groups gnomAD compares: Admixed American, 0.0017%; no homozygotes.

Submission:

Labcorp Genetics (formerly Invitae), Labcorp
Classification: Uncertain significance for Cystic fibrosis. Last evaluated: 2018-06-19. Review status: criteria provided, single submitter. Criteria: Invitae Variant Classification Sherloc (09022015). Collection method: clinical testing. Allele origin: germline.
Comment: Algorithms developed to predict the effect of missense changes on protein structure and function output the following: SIFT: "Tolerated"; PolyPhen-2: "Benign"; Align-GVGD: "Class C0". The valine amino acid residue is found in multiple mammalian species, suggesting that this missense change does not adversely affect protein function. These predictions have not been confirmed by published functional studies and their clinical significance is uncertain. In summary, the available evidence is currently insufficient to determine the role of this variant in disease. Therefore, it has been classified as a Variant of Uncertain Significance. This variant has not been reported in the literature in individuals with CFTR-related disease. This variant is not present in population databases (ExAC no frequency). This sequence change replaces isoleucine with valine at codon 1005 of the CFTR protein (p.Ile1005Val). The isoleucine residue is moderately conserved and there is a small physicochemical difference between isoleucine and valine.

NM_000492.4(CFTR):c.3013A>G (p.Ile1005Val)

Genes: CFTR (CF transmembrane conductance regulator; plus strand), CFTR-AS2 (CFTR antisense RNA 2; minus strand), LOC111674472 (DNase I hypersensitive sites in introns 16 and 17a of CFTR; plus strand). Cytogenetic location: 7q31.2.
Variant type: single nucleotide variant.
Coding change: c.3013A>G on transcript NM_000492.4 (MANE Select); coding-DNA position 3013, A replaced by G.
Protein change: p.Ile1005Val; replaces isoleucine 1005 with valine.
Molecular consequence: missense variant.
Genome position (GRCh38, 1-based): chr7:117,610,543, A>G. VCF-style: chr7-117610543-A-G. GRCh37 (hg19) VCF-style: chr7-117250597-A-G.
Other names: short protein forms I1005V.
Identifiers: ClinVar variation 570891 (VCV000570891.8), dbSNP rs1562914085, ClinGen allele CA368990397.